The following is an entry in ClinVar:

ClinVar aggregate classification (germline): Benign/Likely benign. Review status: criteria provided, multiple submitters, no conflicts (2 of 4 stars). 4 submissions from 4 submitters: Benign (1); Likely benign (3). Last evaluated 2025-11-18.

Conditions:
Hypokalemic periodic paralysis, type 1. Also called: Hypokalemic Periodic Paralysis Type 1 (AD); HypoPP. Identifiers: Orphanet 681, MedGen C3714580, MONDO:0042979, OMIM 170400.
Potassium-aggravated myotonia. Also called: SODIUM CHANNEL MUSCLE DISEASE; Myotonia congenita, atypical, acetazolamide-responsive; MYOTONIA CONGENITA, ACETAZOLAMIDE-RESPONSIVE; MYOTONIA CONGENITA, ATYPICAL. Identifiers: Orphanet 612, Orphanet 99734, Orphanet 99735, Orphanet 99736, MedGen C2931826, MONDO:0018959, OMIM 608390.
Paramyotonia congenita of Von Eulenburg. Also called: Eulenburg disease; Myotonia congenita intermittens; Von Eulenburg paramyotonia congenita; Paramyotonia Congenita; PARALYSIS PERIODICA PARAMYOTONICA. Identifiers: Orphanet 684, MedGen C0221055, MONDO:0008195, OMIM 168300. Disease mechanism: loss of function.
Hypokalemic periodic paralysis, type 2 (HOKPP2). Identifiers: Orphanet 681, MedGen C2750061, MONDO:0013234, OMIM 613345.
Congenital myasthenic syndrome 16. Identifiers: Orphanet 590, MedGen C3280112, MONDO:0013620, OMIM 614198.
Hyperkalemic periodic paralysis. Also called: Familial hyperkalemic periodic paralysis; Gamstorp disease. Identifiers: Orphanet 682, MedGen C0238357, MONDO:0008224, OMIM 170500, HP:0007215.

Allele frequency attached by ClinVar (database versions not stated): gnomAD exomes 0.00003 and 0.00013; TOPMed 0.00004; gnomAD 0.00007 and 0.00004; 1000 Genomes Project 30x 0.00062; ExAC 0.00015; 1000 Genomes Project 0.00060.
gnomAD v4.1: 56 of 1,610,816 alleles (0.0035%); highest among the groups gnomAD compares: East Asian, 0.087%; no homozygotes.

Submissions (4):

Labcorp Genetics (formerly Invitae), Labcorp
Classification: Likely benign for Hyperkalemic periodic paralysis. Last evaluated: 2025-11-18. Review status: criteria provided, single submitter. Criteria: Invitae Variant Classification Sherloc (09022015). Collection method: clinical testing. Allele origin: germline.

Fulgent Genetics
Classification: Likely benign for Paramyotonia congenita of Von Eulenburg; Hypokalemic periodic paralysis, type 1; Hyperkalemic periodic paralysis; Potassium-aggravated myotonia; Hypokalemic periodic paralysis, type 2; Congenital myasthenic syndrome 16. Last evaluated: 2022-03-09. Review status: criteria provided, single submitter. Criteria: ACMG Guidelines, 2015. Collection method: clinical testing. Allele origin: unknown.

Athena Diagnostics
Classification: Benign. Last evaluated: 2019-02-01. Review status: criteria provided, single submitter. Criteria: Athena Diagnostics Criteria. Collection method: clinical testing. Allele origin: germline.

GeneDx
Classification: Likely benign. Last evaluated: 2016-05-02. Review status: criteria provided, single submitter. Criteria: GeneDx Variant Classification (06012015). Collection method: clinical testing. Allele origin: germline. Affected: yes.
Comment: This variant is considered likely benign or benign based on one or more of the following criteria: it is a conservative change, it occurs at a poorly conserved position in the protein, it is predicted to be benign by multiple in silico algorithms, and/or has population frequency not consistent with disease.

NM_000334.4(SCN4A):c.204C>T (p.Tyr68=)

Gene: SCN4A (sodium voltage-gated channel alpha subunit 4; minus strand). Cytogenetic location: 17q23.3.
Variant type: single nucleotide variant.
Coding change: c.204C>T on transcript NM_000334.4 (MANE Select); coding-DNA position 204, C replaced by T.
Protein change: p.Tyr68=; no amino-acid change (tyrosine 68 retained).
Molecular consequence: synonymous variant.
Genome position (GRCh38, 1-based): chr17:63,972,638, G>A on the plus strand (C>T on the coding strand, the complement: SCN4A is on the minus strand). VCF-style: chr17-63972638-G-A. GRCh37 (hg19) VCF-style: chr17-62049998-G-A.
Identifiers: ClinVar variation 385359 (VCV000385359.14), dbSNP rs80266947, ClinGen allele CA8710258.